The following is an entry in ClinVar:

ClinVar aggregate classification (germline): Uncertain significance. Review status: criteria provided, multiple submitters, no conflicts (2 of 4 stars). 3 submissions from 3 submitters: Uncertain significance (2). 1 of the submissions does not count toward it. Last evaluated 2023-05-16.

Conditions:
FBN1-related disorder. Also called: FBN1-related disorders.
Marfan syndrome (MFS). Also called: Marfan syndrome type 1; Marfan's syndrome; FBN1-Related Marfan Syndrome; MARFAN SYNDROME, TYPE I; Marfan syndrome, classic. Identifiers: Orphanet 284963, Orphanet 558, MedGen C0024796, MONDO:0007947, OMIM 154700.
Familial thoracic aortic aneurysm and aortic dissection (TAAD). Also called: Thoracic aortic aneurysms and dissections. Identifiers: Orphanet 91387, MedGen C4707243, MONDO:0019625.

Submissions (3):

All of Us Research Program, National Institutes of Health
Classification: Uncertain significance for Marfan syndrome. Last evaluated: 2023-05-16. Review status: criteria provided, single submitter. Criteria: ACMG Guidelines, 2015. Collection method: clinical testing. Allele origin: germline. Inheritance: Autosomal dominant inheritance. Observed: 1 variant allele, 1 heterozygote.
Comment: This variant causes an A to G nucleotide substitution at the +4 position of intron 39 of the FBN1 gene. To our knowledge, functional studies have not been reported for this variant. This variant has not been reported in individuals affected with FBN1-related disorders in the literature. This variant has not been identified in the general population by the Genome Aggregation Database (gnomAD). The available evidence is insufficient to determine the role of this variant in disease conclusively. Therefore, this variant is classified as a Variant of Uncertain Significance.

This study involves interpretation of variants in research participants for the purpose of population health screening. Participant phenotype was not available at the time of variant classification. Additional details can be found in publication PMID: 35346344, PMCID: PMC8962531

Labcorp Genetics (formerly Invitae), Labcorp
Classification: Uncertain significance for Marfan syndrome; Familial thoracic aortic aneurysm and aortic dissection. Last evaluated: 2022-03-11. Review status: criteria provided, single submitter. Criteria: Invitae Variant Classification Sherloc (09022015). Collection method: clinical testing. Allele origin: germline.
Comment: In summary, the available evidence is currently insufficient to determine the role of this variant in disease. Therefore, it has been classified as a Variant of Uncertain Significance. Variants that disrupt the consensus splice site are a relatively common cause of aberrant splicing (PMID: 17576681, 9536098). Algorithms developed to predict the effect of sequence changes on RNA splicing suggest that this variant may disrupt the consensus splice site. This variant has not been reported in the literature in individuals affected with FBN1-related conditions. This variant is not present in population databases (gnomAD no frequency). This sequence change falls in intron 39 of the FBN1 gene. It does not directly change the encoded amino acid sequence of the FBN1 protein. It affects a nucleotide within the consensus splice site.

PreventionGenetics, part of Exact Sciences
Classification: Uncertain significance for FBN1-related condition. Last evaluated: 2024-09-06. Review status: no assertion criteria provided. Collection method: clinical testing. Allele origin: germline. Not counted in ClinVar's aggregate classification.
Comment: The FBN1 c.4816+4A>G variant is predicted to interfere with splicing. To our knowledge, this variant has not been reported in the literature or in a large population database, indicating this variant is rare. At this time, the clinical significance of this variant is uncertain due to the absence of conclusive functional and genetic evidence.

Literature cited by the submitters: PubMed 17576681 (cited by Labcorp Genetics (formerly Invitae), Labcorp); PubMed 9536098 (cited by Labcorp Genetics (formerly Invitae), Labcorp).

NM_000138.5(FBN1):c.4816+4A>G

Gene: FBN1 (fibrillin 1; minus strand). Cytogenetic location: 15q21.1.
Variant type: single nucleotide variant.
Coding change: c.4816+4A>G on transcript NM_000138.5 (MANE Select); 4 bases into the intron after coding-DNA position 4816, A replaced by G.
Molecular consequence: intron variant.
Genome position (GRCh38, 1-based): chr15:48,465,786, T>C on the plus strand (A>G on the coding strand, the complement: FBN1 is on the minus strand). VCF-style: chr15-48465786-T-C. GRCh37 (hg19) VCF-style: chr15-48757983-T-C.
Other names: c.4816+4A>G (NM_000138.4).
Identifiers: ClinVar variation 1396942 (VCV001396942.8), dbSNP rs2141269898, ClinGen allele CA2573150785.